The following is an entry in ClinVar:

NM_001201543.2(FAM161A):c.2034_2037del (p.Glu680fs)

Gene: FAM161A (FAM161 centrosomal protein A; minus strand). Cytogenetic location: 2p15.
Variant type: Microsatellite.
Coding change: c.2034_2037del on transcript NM_001201543.2 (MANE Select); coding-DNA positions 2034 to 2037, 4 bases deleted (AAGA; older notation c.2034_2037delAAGA).
Protein change: p.Glu680fs; shifts the reading frame from glutamic acid 680.
Molecular consequence: frameshift variant. On other transcripts: non-coding transcript variant (1).
Genome position (GRCh38, 1-based): chr2:61,826,569-61,826,572, TCTT deleted on the plus strand (AAGA on the coding strand, the reverse complement: FAM161A is on the minus strand); deleting any 4 consecutive bases within chr2:61,826,569-61,826,576 gives the same sequence; the c. name uses the placement nearest the transcript's 3' end. VCF-style (leftmost placement, unchanged base first): chr2-61826568-CTCTT-C. GRCh37 (hg19) VCF-style: chr2-62053703-CTCTT-C.
Other names: c.1866_1869del, p.Glu624fs (NM_032180.3); short protein forms E624fs, E680fs.
Identifiers: ClinVar variation 1698499 (VCV001698499.3), dbSNP rs748147923, ClinGen allele CA1678955.

ClinVar aggregate classification (germline): Conflicting classifications of pathogenicity. Review status: criteria provided, conflicting classifications (1 of 4 stars). 3 submissions from 3 submitters: Likely pathogenic (1); Uncertain significance (2). Last evaluated 2024-05-10.

Conditions:
Retinal dystrophy. Also called: Inherited retinal dystrophy. Identifiers: Orphanet 71862, MedGen C0854723, MeSH D058499, MONDO:0019118, HP:0000556.

Submissions (3):

Blueprint Genetics
Classification: Uncertain significance. Last evaluated: 2024-05-10. Review status: criteria provided, single submitter. Criteria: ACMG Guidelines, 2015. Collection method: clinical testing. Allele origin: germline.

Women's Health and Genetics/Laboratory Corporation of America, LabCorp
Classification: Uncertain significance. Last evaluated: 2022-06-07. Review status: criteria provided, single submitter. Criteria: LabCorp Variant Classification Summary - May 2015. Collection method: clinical testing. Allele origin: germline.
Comment: Variant summary: FAM161A c.2034_2037delAAGA (p.Glu680MetfsX97) causes a frameshift which results in an extension of the protein. The variant allele was found at a frequency of 8.1e-05 in 233576 control chromosomes (gnomAD). This frequency is not significantly higher than expected for a pathogenic variant in FAM161A causing Retinitis Pigmentosa (8.1e-05 vs 0.00063), allowing no conclusion about variant significance. c.2034_2037delAAGA has been reported in the literature as c.2030_2033_delAAGA, and has been found in at least one compound heterozygous individual affected with Retinitis Pigmentosa (Stone_2018). These data do not allow any conclusion about variant significance. To our knowledge, no experimental evidence demonstrating an impact on protein function has been reported. No clinical diagnostic laboratories have submitted clinical-significance assessments for this variant to ClinVar after 2014. Based on the evidence outlined above, the variant was classified as VUS-possibly pathogenic.

Institute of Human Genetics, Univ. Regensburg, Univ. Regensburg
Classification: Likely pathogenic for Retinal dystrophy. Last evaluated: 2021-01-01. Review status: criteria provided, single submitter. Criteria: ACMG Guidelines, 2015. Collection method: clinical testing. Allele origin: germline. Affected: yes.

Literature cited by the submitters: PubMed 28559085 (cited by Women's Health and Genetics/Laboratory Corporation of America, LabCorp); PubMed 31964843 (cited by Institute of Human Genetics, Univ. Regensburg, Univ. Regensburg).